The following is an entry in ClinVar:

NM_005802.5(TOPORS):c.1552_1554dup (p.Gln518_Glu519insGln)

Gene: TOPORS (TOP1 binding arginine/serine rich protein, E3 ubiquitin ligase; minus strand). Cytogenetic location: 9p21.1.
Variant type: Duplication.
Coding change: c.1552_1554dup on transcript NM_005802.5 (MANE Select); coding-DNA positions 1552 to 1554, 3 bases duplicated (CAG; older notation c.1552_1554dupCAG).
Protein change: p.Gln518_Glu519insGln.
Molecular consequence: inframe insertion.
Genome position (GRCh38, 1-based): chr9:32,542,971-32,542,973, CTG duplicated on the plus strand (CAG on the coding strand, the reverse complement: TOPORS is on the minus strand). VCF-style (leftmost placement, unchanged base first): chr9-32542970-C-CCTG. GRCh37 (hg19) VCF-style: chr9-32542968-C-CCTG.
Other names: c.1357_1359dup, p.Gln453_Glu454insGln (NM_001195622.2).
Identifiers: ClinVar variation 2001451 (VCV002001451.4), dbSNP rs1250804885, ClinGen allele CA587565215.

ClinVar aggregate classification (germline): Uncertain significance (1 of 4 stars; one submission).

Allele frequency attached by ClinVar (database versions not stated): gnomAD exomes below 0.00001.

Submission:

Labcorp Genetics (formerly Invitae), Labcorp
Classification: Uncertain significance. Last evaluated: 2026-01-17. Review status: criteria provided, single submitter. Criteria: Invitae Variant Classification Sherloc (09022015). Collection method: clinical testing. Allele origin: germline.
Comment: This variant, c.1552_1554dup, results in the insertion of 1 amino acid(s) of the TOPORS protein (p.Gln518dup), but otherwise preserves the integrity of the reading frame. This variant is present in population databases (no rsID available, gnomAD 0.003%). This variant has not been reported in the literature in individuals affected with TOPORS-related conditions. ClinVar contains an entry for this variant (Variation ID: 2001451). In summary, the available evidence is currently insufficient to determine the role of this variant in disease. Therefore, it has been classified as a Variant of Uncertain Significance.